The following is an entry in ClinVar:

NM_001372106.1(DNAH10):c.8586C>T (p.Arg2862=)

Gene: DNAH10 (dynein axonemal heavy chain 10; plus strand). Cytogenetic location: 12q24.31.
Variant type: single nucleotide variant.
Coding change: c.8586C>T on transcript NM_001372106.1 (MANE Select); coding-DNA position 8586, C replaced by T.
Protein change: p.Arg2862=; no amino-acid change (arginine 2862 retained).
Molecular consequence: synonymous variant.
Genome position (GRCh38, 1-based): chr12:123,879,753, C>T. VCF-style: chr12-123879753-C-T. GRCh37 (hg19) VCF-style: chr12-124364300-C-T.
Other names: c.8232C>T, p.Arg2744= (NM_001083900.1, NM_207437.3).
Identifiers: ClinVar variation 2643531 (VCV002643531.25), dbSNP rs199756608, ClinGen allele CA6864821.
Genomic context (GRCh38, chr12:123,879,753, plus strand): 5'-GATGAGGGATCCCATATTGTTTGGAGACTTCCAGATGGCTCTGCACGAAGGAGAACCACG[C>T]ATTTATGAAGACATCCAGGACTACGAGGCGGCCAAGGCTCTGTTCCAGGTGGGGATGAGC-3'
Protein context (NP_001359035.1, residues 2852-2872): FQMALHEGEP[Arg2862=]IYEDIQDYEA

ClinVar aggregate classification (germline): Likely benign. Review status: criteria provided, multiple submitters, no conflicts (2 of 4 stars). 2 submissions from 2 submitters: Likely benign (2). Last evaluated 2024-11-26.

Allele frequency attached by ClinVar (database versions not stated): 1000 Genomes Project 30x 0.00016; 1000 Genomes Project 0.00020; TOPMed 0.00026; gnomAD 0.00027; gnomAD exomes 0.00031; ESP Exome Variant Server 0.00032; ExAC 0.00037.

Submissions (2):

Blueprint Genetics
Classification: Likely benign. Last evaluated: 2024-11-26. Review status: criteria provided, single submitter. Criteria: ACMG Guidelines, 2015. Collection method: clinical testing. Allele origin: germline.

CeGaT Center for Human Genetics Tuebingen
Classification: Likely benign. Last evaluated: 2023-04-01. Review status: criteria provided, single submitter. Criteria: CeGaT Center For Human Genetics Tuebingen Variant Classification Criteria Version 2. Collection method: clinical testing. Allele origin: germline. Affected: yes. Observed: 2 variant alleles.
Comment: DNAH10: BP4, BP7